The following is an entry in ClinVar:

NM_005390.5(PDHA2):c.297C>T (p.Cys99=)

Gene: PDHA2 (pyruvate dehydrogenase E1 subunit alpha 2; plus strand). Cytogenetic location: 4q22.3.
Variant type: single nucleotide variant.
Coding change: c.297C>T on transcript NM_005390.5 (MANE Select); coding-DNA position 297, C replaced by T.
Protein change: p.Cys99=; no amino-acid change (cysteine 99 retained).
Molecular consequence: synonymous variant.
Genome position (GRCh38, 1-based): chr4:95,840,447, C>T. VCF-style: chr4-95840447-C-T. GRCh37 (hg19) VCF-style: chr4-96761598-C-T.
Identifiers: ClinVar variation 4821224 (VCV004821224.4).

ClinVar aggregate classification (germline): Benign (1 of 4 stars; one submission).

Submission:

CeGaT Center for Human Genetics Tuebingen
Classification: Benign. Last evaluated: 2026-03-01. Review status: criteria provided, single submitter. Criteria: CeGaT Center For Human Genetics Tuebingen Variant Classification Criteria Version 2. Collection method: clinical testing. Allele origin: germline. Affected: yes. Observed: 1 variant allele.
Comment: PDHA2: BP4, BP7, BS1, BS2